The following is an entry in ClinVar:

NM_153700.2(STRC):c.1228C>T (p.Gln410Ter)

Gene: STRC (stereocilin; minus strand). Cytogenetic location: 15q15.3.
Variant type: single nucleotide variant.
Coding change: c.1228C>T on transcript NM_153700.2 (MANE Select); coding-DNA position 1228, C replaced by T.
Protein change: p.Gln410Ter; replaces glutamine 410 with a stop codon.
Molecular consequence: nonsense.
Genome position (GRCh38, 1-based): chr15:43,616,338, G>A on the plus strand (C>T on the coding strand, the complement: STRC is on the minus strand). VCF-style: chr15-43616338-G-A. GRCh37 (hg19) VCF-style: chr15-43908536-G-A.
Other names: short protein forms Q410*.
Identifiers: ClinVar variation 3385335 (VCV003385335.1).

ClinVar aggregate classification (germline): Pathogenic (1 of 4 stars; one submission).

Conditions:
nonsyndromic sensorineural hearing loss. Identifiers: MedGen C1842137, MeSH C537845.

Submission:

Translational Hearing Genomics Lab, Boston Children's Hospital
Classification: Pathogenic for Nonsyndromic sensorineural hearing loss. Last evaluated: 2024-12-05. Review status: criteria provided, single submitter. Criteria: ACMG Guidelines, 2015. Collection method: clinical testing. Allele origin: unknown. Inheritance: Autosomal recessive inheritance. Affected: yes. Observed: 1 compound heterozygote.
Comment: The Gln410* in STRC is a loss of function variant in a gene for which loss of function is a known mechanism. It is rare in population databses (MAF of 0.0004211 in gnomAD v4.1.0).